The following is an entry in ClinVar:

NM_024649.5(BBS1):c.339T>C (p.Tyr113=)

Gene: BBS1 (Bardet-Biedl syndrome 1; plus strand). Cytogenetic location: 11q13.2.
Variant type: single nucleotide variant.
Coding change: c.339T>C on transcript NM_024649.5 (MANE Select); coding-DNA position 339, T replaced by C.
Protein change: p.Tyr113=; no amino-acid change (tyrosine 113 retained).
Molecular consequence: synonymous variant.
Genome position (GRCh38, 1-based): chr11:66,514,585, T>C. VCF-style: chr11-66514585-T-C. GRCh37 (hg19) VCF-style: chr11-66282056-T-C.
Other names: c.339T>C (NM_024649.4).
Identifiers: ClinVar variation 1085398 (VCV001085398.11), dbSNP rs754412005, ClinGen allele CA6123310.

ClinVar aggregate classification (germline): Likely benign. Review status: criteria provided, single submitter (1 of 4 stars). 2 submissions from 2 submitters: Likely benign (1). 1 of the submissions does not count toward it. Last evaluated 2024-03-02.

Conditions:
BBS1-related disorder. Also called: BBS1-related condition.
Bardet-Biedl syndrome (BBS). Identifiers: Orphanet 110, MedGen C0752166, MONDO:0015229.

Allele frequency attached by ClinVar (database versions not stated): ExAC 0.00001; gnomAD 0.00001; gnomAD exomes 0.00001; TOPMed 0.00002.
gnomAD v4.1: 11 of 1,613,918 alleles (0.00068%); highest among the groups gnomAD compares: Non-Finnish European, 0.00068%; no homozygotes.

Submissions (2):

Labcorp Genetics (formerly Invitae), Labcorp
Classification: Likely benign for Bardet-Biedl syndrome. Last evaluated: 2024-03-02. Review status: criteria provided, single submitter. Criteria: Invitae Variant Classification Sherloc (09022015). Collection method: clinical testing. Allele origin: germline.

PreventionGenetics, part of Exact Sciences
Classification: Likely benign for BBS1-related condition. Last evaluated: 2019-07-11. Review status: no assertion criteria provided. Collection method: clinical testing. Allele origin: germline. Not counted in ClinVar's aggregate classification.
Comment: This variant is classified as likely benign based on ACMG/AMP sequence variant interpretation guidelines (Richards et al. 2015 PMID: 25741868, with internal and published modifications).